The following is an entry in ClinVar:

ClinVar aggregate classification (germline): Uncertain significance (1 of 4 stars; one submission).

Conditions:
Hyper-IgE recurrent infection syndrome 1, autosomal dominant. Also called: JOB SYNDROME; Job's Syndrome; STAT3 Hyper IgE Syndrome; HYPER-IgE SYNDROME 1, AUTOSOMAL DOMINANT, WITH RECURRENT INFECTIONS; Hyper-IgE recurrent infection syndrome 1. Identifiers: Orphanet 2314, MedGen C2936739, MONDO:0007818, OMIM 147060.
STAT3 gain of function. Identifiers: MedGen C4288261.

gnomAD v4.1: 1 of 1,588,840 alleles (0.000063%); highest among the groups gnomAD compares: Admixed American, 0.0017%; no homozygotes.

Submission:

Labcorp Genetics (formerly Invitae), Labcorp
Classification: Uncertain significance for STAT3 gain of function; Hyper-IgE recurrent infection syndrome 1, autosomal dominant. Last evaluated: 2025-09-11. Review status: criteria provided, single submitter. Criteria: Invitae Variant Classification Sherloc (09022015). Collection method: clinical testing. Allele origin: germline.
Comment: This sequence change falls in intron 17 of the STAT3 gene. It does not directly change the encoded amino acid sequence of the STAT3 protein. This variant is present in population databases (no rsID available, gnomAD 0.003%). This variant has not been reported in the literature in individuals affected with STAT3-related conditions. Algorithms developed to predict the effect of sequence changes on RNA splicing suggest that this variant may disrupt the consensus splice site. In summary, the available evidence is currently insufficient to determine the role of this variant in disease. Therefore, it has been classified as a Variant of Uncertain Significance.

NM_139276.3(STAT3):c.1601-6C>A

Gene: STAT3 (signal transducer and activator of transcription 3; minus strand). Cytogenetic location: 17q21.2.
Variant type: single nucleotide variant.
Coding change: c.1601-6C>A on transcript NM_139276.3 (MANE Select); 6 bases into the intron before coding-DNA position 1601, C replaced by A.
Molecular consequence: intron variant.
Genome position (GRCh38, 1-based): chr17:42,323,631, G>T on the plus strand (C>A on the coding strand, the complement: STAT3 is on the minus strand). VCF-style: chr17-42323631-G-T. GRCh37 (hg19) VCF-style: chr17-40475649-G-T.
Other names: c.1601-6C>A (NM_001369520.1, NM_001369516.1, NM_213662.2 and 10 more transcripts); c.1616-6C>A (NM_001384986.1, NM_001384990.1); c.1505-6C>A (NM_001384989.1); c.1541-6C>A (NM_001384992.1); c.1517-6C>A (NM_001384984.1); c.1523-6C>A (NM_001384985.1); c.1580-6C>A (NM_001384987.1).
Identifiers: ClinVar variation 4792547 (VCV004792547.1).